The following is an entry in ClinVar:

NM_001379403.1(WDR26):c.845dup (p.Pro284fs)

Gene: WDR26 (WD repeat domain 26; minus strand). Cytogenetic location: 1q42.12.
Variant type: Duplication.
Coding change: c.845dup on transcript NM_001379403.1 (MANE Select); coding-DNA position 845, one base duplicated (T; older notation c.845dupT).
Protein change: p.Pro284fs; shifts the reading frame from proline 284.
Molecular consequence: frameshift variant.
Genome position (GRCh38, 1-based): chr1:224,431,559, A duplicated on the plus strand (T on the coding strand, the reverse complement: WDR26 is on the minus strand). VCF-style (leftmost placement, unchanged base first): chr1-224431558-T-TA. GRCh37 (hg19) VCF-style: chr1-224619260-T-TA.
Other names: c.545dup, p.Pro184fs (NM_001115113.3, NM_025160.7); short protein forms P184fs, P284fs.
Identifiers: ClinVar variation 4890737 (VCV004890737.1).

ClinVar aggregate classification (germline): Pathogenic (1 of 4 stars; one submission).

Conditions:
Skraban-Deardorff syndrome. Also called: WDR26-Related Intellectual Disability; INTELLECTUAL DISABILITY WITH SEIZURES, ABNORMAL GAIT, AND DISTINCTIVE FACIAL FEATURES. Identifiers: Orphanet 513456, MedGen C4539927, MONDO:0054636, OMIM 617616.

Submission:

Institute of Human Genetics, University of Leipzig Medical Center
Classification: Pathogenic for Skraban-Deardorff syndrome. Last evaluated: 2026-08-24. Review status: criteria provided, single submitter. Criteria: ACMG Guidelines, 2015. Collection method: clinical testing. Allele origin: unknown. Inheritance: Autosomal dominant inheritance. Affected: yes.
Comment: Criteria applied: PVS1,PM2